The following is an entry in ClinVar:

NM_025144.4(ALPK1):c.878C>A (p.Pro293Gln)

Gene: ALPK1 (alpha kinase 1; plus strand). Cytogenetic location: 4q25.
Variant type: single nucleotide variant.
Coding change: c.878C>A on transcript NM_025144.4 (MANE Select); coding-DNA position 878, C replaced by A.
Protein change: p.Pro293Gln; replaces proline 293 with glutamine.
Molecular consequence: missense variant.
Genome position (GRCh38, 1-based): chr4:112,429,231, C>A. VCF-style: chr4-112429231-C-A. GRCh37 (hg19) VCF-style: chr4-113350387-C-A.
Other names: c.878C>A (NM_001102406.1); c.878C>A, p.Pro293Gln (NM_001102406.2); c.644C>A, p.Pro215Gln (NM_001253884.2); short protein forms P215Q, P293Q.
Identifiers: ClinVar variation 2048477 (VCV002048477.30), dbSNP rs116427224, ClinGen allele CA3046590.

ClinVar aggregate classification (germline): Benign/Likely benign. Review status: criteria provided, multiple submitters, no conflicts (2 of 4 stars). 4 submissions from 4 submitters: Benign (2); Likely benign (1). 1 of the submissions does not count toward it. Last evaluated 2026-01-29.

Conditions:
ALPK1-related disorder. Also called: ALPK1-related condition.

Allele frequency attached by ClinVar (database versions not stated): ESP Exome Variant Server 0.00231; 1000 Genomes Project 30x 0.00312; 1000 Genomes Project 0.00339.
gnomAD v4.1: 918 of 1,612,568 alleles (0.057%); highest among the groups gnomAD compares: African/African-American, 0.77%; 5 homozygotes.

Submissions (4):

Labcorp Genetics (formerly Invitae), Labcorp
Classification: Benign. Last evaluated: 2026-01-29. Review status: criteria provided, single submitter. Criteria: Invitae Variant Classification Sherloc (09022015). Collection method: clinical testing. Allele origin: germline.

Women's Health and Genetics/Laboratory Corporation of America, LabCorp
Classification: Likely benign. Last evaluated: 2026-01-22. Review status: criteria provided, single submitter. Criteria: LabCorp Variant Classification Summary - May 2015. Collection method: clinical testing. Allele origin: germline.

CeGaT Center for Human Genetics Tuebingen
Classification: Benign. Last evaluated: 2023-04-01. Review status: criteria provided, single submitter. Criteria: CeGaT Center For Human Genetics Tuebingen Variant Classification Criteria Version 2. Collection method: clinical testing. Allele origin: germline. Affected: yes. Observed: 2 variant alleles.
Comment: ALPK1: BP4, BS1, BS2

PreventionGenetics, part of Exact Sciences
Classification: Likely benign for ALPK1-related condition. Last evaluated: 2022-05-12. Review status: no assertion criteria provided. Collection method: clinical testing. Allele origin: germline. Not counted in ClinVar's aggregate classification.
Comment: This variant is classified as likely benign based on ACMG/AMP sequence variant interpretation guidelines (Richards et al. 2015 PMID: 25741868, with internal and published modifications).